The following is an entry in ClinVar:

NM_000298.6(PKLR):c.272T>C (p.Ile91Thr)

Gene: PKLR (pyruvate kinase L/R; minus strand). Cytogenetic location: 1q22.
Variant type: single nucleotide variant.
Coding change: c.272T>C on transcript NM_000298.6 (MANE Select); coding-DNA position 272, T replaced by C.
Protein change: p.Ile91Thr; replaces isoleucine 91 with threonine.
Molecular consequence: missense variant.
Genome position (GRCh38, 1-based): chr1:155,300,109, A>G on the plus strand (T>C on the coding strand, the complement: PKLR is on the minus strand). VCF-style: chr1-155300109-A-G. GRCh37 (hg19) VCF-style: chr1-155269900-A-G.
Other names: c.179T>C, p.Ile60Thr (NM_181871.4); short protein forms I91T, I60T.
Identifiers: ClinVar variation 1474396 (VCV001474396.6), dbSNP rs752037743, ClinGen allele CA1144416.

ClinVar aggregate classification (germline): Uncertain significance (1 of 4 stars; one submission).

Allele frequency attached by ClinVar (database versions not stated): gnomAD exomes below 0.00001 and 0.00001; gnomAD 0.00001; ExAC 0.00002.
gnomAD v4.1: 3 of 1,613,742 alleles (0.00019%); highest among the groups gnomAD compares: East Asian, 0.0022%; no homozygotes.

Submission:

Labcorp Genetics (formerly Invitae), Labcorp
Classification: Uncertain significance. Last evaluated: 2021-12-10. Review status: criteria provided, single submitter. Criteria: Invitae Variant Classification Sherloc (09022015). Collection method: clinical testing. Allele origin: germline.
Comment: In summary, the available evidence is currently insufficient to determine the role of this variant in disease. Therefore, it has been classified as a Variant of Uncertain Significance. Algorithms developed to predict the effect of missense changes on protein structure and function are either unavailable or do not agree on the potential impact of this missense change (SIFT: "Deleterious"; PolyPhen-2: "Possibly Damaging"; Align-GVGD: "Class C0"). This variant has not been reported in the literature in individuals affected with PKLR-related conditions. This variant is present in population databases (rs752037743, gnomAD 0.005%). This sequence change replaces isoleucine, which is neutral and non-polar, with threonine, which is neutral and polar, at codon 91 of the PKLR protein (p.Ile91Thr).